The following is an entry in ClinVar:

NM_000271.5(NPC1):c.3019C>G (p.Pro1007Ala)

Gene: NPC1 (NPC intracellular cholesterol transporter 1; minus strand). Cytogenetic location: 18q11.2.
Variant type: single nucleotide variant.
Coding change: c.3019C>G on transcript NM_000271.5 (MANE Select); coding-DNA position 3019, C replaced by G.
Protein change: p.Pro1007Ala; replaces proline 1007 with alanine.
Molecular consequence: missense variant.
Genome position (GRCh38, 1-based): chr18:23,538,564, G>C on the plus strand (C>G on the coding strand, the complement: NPC1 is on the minus strand). VCF-style: chr18-23538564-G-C. GRCh37 (hg19) VCF-style: chr18-21118528-G-C.
Other names: p.P1007A:CCT>GCT; short protein forms P1007A.
Identifiers: ClinVar variation 2966 (VCV000002966.92), dbSNP rs80358257, ClinGen allele CA340032.

ClinVar aggregate classification (germline): Pathogenic. Review status: criteria provided, multiple submitters, no conflicts (2 of 4 stars). 31 submissions from 30 submitters: Pathogenic (23). 8 of the submissions do not count toward it. Last evaluated 2026-08-03.

Conditions:
NPC1-related disorder. Also called: NPC1-related condition.
Inborn genetic diseases. Identifiers: MedGen C0950123, MeSH D030342.
Niemann-Pick disease, type C (NPC). Identifiers: Orphanet 646, MedGen C0220756, MONDO:0018982.
Ataxia. Identifiers: MedGen C0004134, HP:0001251.
Niemann-Pick disease, type C1. Also called: NEUROVISCERAL STORAGE DISEASE WITH VERTICAL SUPRANUCLEAR OPHTHALMOPLEGIA; NIEMANN-PICK DISEASE WITH CHOLESTEROL ESTERIFICATION BLOCK; NIEMANN-PICK DISEASE WITHOUT SPHINGOMYELINASE DEFICIENCY; NIEMANN-PICK DISEASE, CHRONIC NEURONOPATHIC FORM; NIEMANN-PICK DISEASE, VARIANT TYPE C1. Identifiers: Orphanet 646, MedGen C3179455, MONDO:0009757, OMIM 257220.
Cataplexy. Identifiers: MedGen C0007384, HP:0002524.
Cognitive impairment. Also called: cognitive deficit. Identifiers: MedGen C0338656, HP:0100543.
Cerebellar ataxia. Identifiers: Orphanet 102002, MedGen C0007758, MONDO:0000437.
Headache. Also called: Headaches. Identifiers: MedGen C0018681, HP:0002315.
Speech apraxia. Identifiers: MedGen C0264611, HP:0011098.
Postural instability. Identifiers: MedGen C1843921, HP:0002172.

Allele frequency attached by ClinVar (database versions not stated): ExAC 0.00012; gnomAD exomes 0.00012 and 0.00017; TOPMed 0.00013; 1000 Genomes Project 30x 0.00016; 1000 Genomes Project 0.00020; gnomAD 0.00020 and 0.00021.
gnomAD v4.1: 276 of 1,614,108 alleles (0.017%); highest among the groups gnomAD compares: Non-Finnish European, 0.022%; no homozygotes.

Submissions 1 to 11 of 31:

Clinical Genetics Laboratory, Skane University Hospital Lund
Classification: Pathogenic for Ataxia. Last evaluated: 2026-08-03. Review status: criteria provided, single submitter. Criteria: ACMG Guidelines, 2015. Collection method: clinical testing. Allele origin: germline. Affected: yes.
Comment: PM1, PM2, PM3_Very Strong and PP3

CeGaT Center for Human Genetics Tuebingen
Classification: Pathogenic. Last evaluated: 2026-06-01. Review status: criteria provided, single submitter. Criteria: CeGaT Center For Human Genetics Tuebingen Variant Classification Criteria Version 2. Collection method: clinical testing. Allele origin: germline. Affected: yes. Observed: 5 variant alleles.
Comment: NPC1: PM3:Very Strong, PM2, PP3

PreventionGenetics, part of Exact Sciences
Classification: Pathogenic for NPC1-related condition. Last evaluated: 2026-02-06. Review status: criteria provided, single submitter. Criteria: ACMG Guidelines, 2015. Collection method: clinical testing. Allele origin: germline.
Comment: The NPC1 c.3019C>G variant is predicted to result in the amino acid substitution p.Pro1007Ala. This variant has been well-documented as causative for Niemann-Pick disease (see for example Greer et al. 1999. PubMed ID: 10521290; Bauer et al. 2013. PubMed ID: 23773996; Mavridou et al. 2017. PubMed ID: 28105569; Dardis et al. 2020. PubMed ID: 32138288). Other missense variants, affecting the same amino acid (p.Pro1007Leu, p.Pro1007Arg), have also been reported to be causative for Niemann-Pick disease (Imrie et al. 2015. PubMed ID: 26666848). This variant is reported in 0.022% of alleles in individuals of European (Non-Finnish) descent in gnomAD. This variant is interpreted as pathogenic.

3billion
Classification: Pathogenic for NPC1-related disorder. Last evaluated: 2026-01-14. Review status: criteria provided, single submitter. Criteria: ACMG Guidelines, 2015. Collection method: clinical testing. Allele origin: germline. Affected: yes.
Comment: The variant is observed at an extremely low frequency in the gnomAD v4.1.0 dataset (total allele frequency: 0.017%). Predicted Consequence/Location: The variant is located in a mutational hot spot and/or well-established functional domain in which established pathogenic variants have been reported (PMID: 11333381, 15774455). In silico tool predictions suggest damaging effect of the variant on gene or gene product [REVEL: 0.91 (>=0.6, sensitivity 0.68 and specificity 0.92); 3Cnet: 0.98 (> 0.75, sensitivity 0.96 and precision 0.92)]. The same nucleotide change resulting in the same amino acid change has been previously reported as pathogenic/likely pathogenic with strong evidence (ClinVar ID: VCV000002966 /PMID: 10521290). Different missense changes at the same codon (p.Pro1007Arg, p.Pro1007Leu) have been reported as pathogenic/likely pathogenic with strong evidence (ClinVar ID: VCV000973559 /PMID: 17160617, 22704015). Therefore, this variant is classified as Pathogenic according to the recommendation of ACMG/AMP guideline.

Labcorp Genetics (formerly Invitae), Labcorp
Classification: Pathogenic for Niemann-Pick disease, type C1. Last evaluated: 2026-01-13. Review status: criteria provided, single submitter. Criteria: Invitae Variant Classification Sherloc (09022015). Collection method: clinical testing. Allele origin: germline.
Comment: This sequence change replaces proline, which is neutral and non-polar, with alanine, which is neutral and non-polar, at codon 1007 of the NPC1 protein (p.Pro1007Ala). This variant is present in population databases (rs80358257, gnomAD 0.02%). This missense change has been observed in individual(s) with Niemann-Pick type C disease (PMID: 10521290, 11754101, 14639697, 23183285, 23791518, 25425405, 26981555). In at least one individual the data is consistent with being in trans (on the opposite chromosome) from a pathogenic variant. It has also been observed to segregate with disease in related individuals. ClinVar contains an entry for this variant (Variation ID: 2966). Invitae Evidence Modeling of protein sequence and biophysical properties (such as structural, functional, and spatial information, amino acid conservation, physicochemical variation, residue mobility, and thermodynamic stability) indicates that this missense variant is expected to disrupt NPC1 protein function with a positive predictive value of 95%. Experimental studies have shown that this missense change does not substantially affect NPC1 function (PMID: 15937921). For these reasons, this variant has been classified as Pathogenic.

Clinical Genetics Laboratory, University Hospital Schleswig-Holstein
Classification: Pathogenic for Niemann-Pick disease, type C1. Last evaluated: 2025-11-13. Review status: criteria provided, single submitter. Criteria: ACMG Guidelines, 2015. Collection method: clinical testing. Allele origin: germline. Affected: yes. Observed: 1 heterozygote.
Comment: ACMG criteria applied: PS4, PM5, PP3, PS3, PP4

Natera, Inc.
Classification: Pathogenic for Niemann-Pick disease type C1. Last evaluated: 2025-06-02. Review status: criteria provided, single submitter. Criteria: Natera Variant Classification Schema (03/2026). Collection method: clinical testing. Allele origin: germline.
Comment: The c.3019C>G variant in NPC1 is a missense variant predicted to cause substitution of proline to alanine at amino acid 1007. This variant is rare in the general population with a frequency below the threshold expected for the associated phenotype(s). This variant has been observed in one or more individuals affected with the associated recessive disease, as either homozygous or compound heterozygous with a second variant (PMID: 26981555). Given the available evidence, this variant is classified as Pathogenic.

Ambry Genetics
Classification: Pathogenic for Inborn genetic diseases. Last evaluated: 2025-02-20. Review status: criteria provided, single submitter. Criteria: Ambry Variant Classification Scheme 2023. Collection method: clinical testing. Allele origin: germline.
Comment: The c.3019C>G (p.P1007A) alteration is located in exon 20 (coding exon 20) of the NPC1 gene. This alteration results from a C to G substitution at nucleotide position 3019, causing the proline (P) at amino acid position 1007 to be replaced by an alanine (A). Based on data from the Genome Aggregation Database (gnomAD) database, the NPC1 c.3019C>G alteration was observed in 0.01% (33/282878) of total alleles studied, with a frequency of 0.02% (29/129196) in the European (non-Finnish) subpopulation. This mutation has been identified in numerous homozygous and compound heterozygous individuals with NPC1-related Niemann-Pick disease, many with intermediate or "variant" levels of cholesterol esterification (Millat, 2001; Jahnova, 2014; Reunert, 2016; Musalkova, 2020; Dardis, 2020). This amino acid position is highly conserved in available vertebrate species. The p.P1007A alteration is predicted to be deleterious by in silico analysis. Based on the available evidence, this alteration is classified as pathogenic.

Blueprint Genetics
Classification: Pathogenic for NPC1-related disorders. Last evaluated: 2024-11-04. Review status: criteria provided, single submitter. Criteria: ACMG Guidelines, 2015. Collection method: clinical testing. Allele origin: germline. Affected: yes. Observed: 5 variant alleles.

Institute of Human Genetics, University of Leipzig Medical Center
Classification: Pathogenic for Niemann-Pick disease, type C1. Last evaluated: 2023-07-24. Review status: criteria provided, single submitter. Criteria: ACMG Guidelines, 2015. Collection method: clinical testing. Allele origin: maternal. Inheritance: Autosomal recessive inheritance. Affected: yes.
Comment: Identified as compund heterozygous with NM_000271.5:c.1997G>A. Criteria applied: PM3_VSTR,PM5,PM2_SUP,PP3

Laboratorio de Genetica e Diagnostico Molecular, Hospital Israelita Albert Einstein
Classification: Pathogenic for Niemann-Pick disease, type C1. Last evaluated: 2022-09-09. Review status: criteria provided, single submitter. Criteria: ACMG Guidelines, 2015. Collection method: clinical testing. Allele origin: germline. Affected: yes. Observed: 1 variant allele.
Comment: ACMG classification criteria: PS4 strong, PM2 supporting, PM3 very strong, PP1 supporting, PP3 supporting